The following is an entry in ClinVar:

NM_003737.4(DCHS1):c.356C>G (p.Ala119Gly)

Gene: DCHS1 (dachsous cadherin-related 1; minus strand). Cytogenetic location: 11p15.4.
Variant type: single nucleotide variant.
Coding change: c.356C>G on transcript NM_003737.4 (MANE Select); coding-DNA position 356, C replaced by G.
Protein change: p.Ala119Gly; replaces alanine 119 with glycine.
Molecular consequence: missense variant.
Genome position (GRCh38, 1-based): chr11:6,641,258, G>C on the plus strand (C>G on the coding strand, the complement: DCHS1 is on the minus strand). VCF-style: chr11-6641258-G-C. GRCh37 (hg19) VCF-style: chr11-6662489-G-C.
Other names: short protein forms A119G.
Identifiers: ClinVar variation 4694560 (VCV004694560.1).

ClinVar aggregate classification (germline): Uncertain significance (1 of 4 stars; one submission).

gnomAD v4.1: 4 of 1,613,728 alleles (0.00025%); highest among the groups gnomAD compares: Non-Finnish European, 0.00034%; no homozygotes.

Submission:

Labcorp Genetics (formerly Invitae), Labcorp
Classification: Uncertain significance. Last evaluated: 2025-09-03. Review status: criteria provided, single submitter. Criteria: Invitae Variant Classification Sherloc (09022015). Collection method: clinical testing. Allele origin: germline.
Comment: This sequence change replaces alanine, which is neutral and non-polar, with glycine, which is neutral and non-polar, at codon 119 of the DCHS1 protein (p.Ala119Gly). This variant is not present in population databases (gnomAD no frequency). This variant has not been reported in the literature in individuals affected with DCHS1-related conditions. Invitae Evidence Modeling of protein sequence and biophysical properties (such as structural, functional, and spatial information, amino acid conservation, physicochemical variation, residue mobility, and thermodynamic stability) indicates that this missense variant is not expected to disrupt DCHS1 protein function with a negative predictive value of 95%. In summary, the available evidence is currently insufficient to determine the role of this variant in disease. Therefore, it has been classified as a Variant of Uncertain Significance.